The following is an entry in ClinVar:

ClinVar aggregate classification (germline): Uncertain significance. Review status: criteria provided, multiple submitters, no conflicts (2 of 4 stars). 2 submissions from 2 submitters: Uncertain significance (2). Last evaluated 2025-05-06.

gnomAD v4.1: 22 of 1,612,898 alleles (0.0014%); highest among the groups gnomAD compares: East Asian, 0.011%; no homozygotes.

Submissions (2):

Ambry Genetics
Classification: Uncertain significance. Last evaluated: 2025-05-06. Review status: criteria provided, single submitter. Criteria: Ambry Variant Classification Scheme 2023. Collection method: clinical testing. Allele origin: germline.

GeneDx
Classification: Uncertain significance. Last evaluated: 2023-06-08. Review status: criteria provided, single submitter. Criteria: GeneDx Variant Classification Process June 2021. Collection method: clinical testing. Allele origin: germline. Affected: yes.
Comment: In silico analysis supports that this missense variant has a deleterious effect on protein structure/function; Has not been previously published as pathogenic or benign to our knowledge

NM_001252102.2(KIF21B):c.2321G>A (p.Arg774Gln)

Gene: KIF21B (kinesin family member 21B; minus strand). Cytogenetic location: 1q32.1.
Variant type: single nucleotide variant.
Coding change: c.2321G>A on transcript NM_001252102.2 (MANE Select); coding-DNA position 2321, G replaced by A.
Protein change: p.Arg774Gln; replaces arginine 774 with glutamine.
Molecular consequence: missense variant.
Genome position (GRCh38, 1-based): chr1:200,992,346, C>T on the plus strand (G>A on the coding strand, the complement: KIF21B is on the minus strand). VCF-style: chr1-200992346-C-T. GRCh37 (hg19) VCF-style: chr1-200961474-C-T.
Other names: c.2321G>A, p.Arg774Gln (NM_001252100.2, NM_001252103.2, NM_017596.4); c.2321G>A (NM_017596.2); short protein forms R774Q.
Identifiers: ClinVar variation 3359651 (VCV003359651.2).